The following is an entry in ClinVar:

NM_001931.5(DLAT):c.470T>G (p.Val157Gly)

Gene: DLAT (dihydrolipoamide S-acetyltransferase; plus strand). Cytogenetic location: 11q23.1.
Variant type: single nucleotide variant.
Coding change: c.470T>G on transcript NM_001931.5 (MANE Select); coding-DNA position 470, T replaced by G.
Protein change: p.Val157Gly; replaces valine 157 with glycine.
Molecular consequence: missense variant. On other transcripts: non-coding transcript variant (1), intron variant (2).
Genome position (GRCh38, 1-based): chr11:112,028,603, T>G. VCF-style: chr11-112028603-T-G. GRCh37 (hg19) VCF-style: chr11-111899327-T-G.
Other names: c.470T>G, p.Val157Gly (NM_001372031.1, NM_001372032.1, NM_001372033.1 and 3 more transcripts); c.437T>G, p.Val146Gly (NM_001372034.1); c.344T>G, p.Val115Gly (NM_001372036.1); c.302T>G, p.Val101Gly (NM_001372037.1); c.4T>G, p.Phe2Val (NM_001372042.1); c.381+2304T>G (NM_001372038.1); c.364+2321T>G (NM_001372040.1); short protein forms V157G, V115G, V101G, F2V, V146G.
Identifiers: ClinVar variation 208790 (VCV000208790.13), dbSNP rs797044957, ClinGen allele CA204916.
Genomic context (GRCh38, chr11:112,028,603, plus strand): 5'-TTGAGAGCCTGGAGGAGTGTTATATGGCAAAGATACTTGTTGCTGAAGGTACCAGGGATG[T>G]TCCCATCGGAGCGATCATCTGTATCACAGTTGGCAAGTGAGTAGTGCGCTCATAATTTGT-3'
Protein context (NP_001922.2, residues 147-167): KILVAEGTRD[Val157Gly]PIGAIICITV

ClinVar aggregate classification (germline): Likely pathogenic. Review status: criteria provided, multiple submitters, no conflicts (2 of 4 stars). 5 submissions from 5 submitters: Likely pathogenic (4). 1 of the submissions does not count toward it. Last evaluated 2025-12-16.

Conditions:
Inborn genetic diseases. Identifiers: MedGen C0950123, MeSH D030342.
Pyruvate dehydrogenase E2 deficiency (PDHDD). Also called: LACTIC ACIDEMIA DUE TO DEFECT OF E2 LIPOYL TRANSACETYLASE OF THE PYRUVATE DEHYDROGENASE COMPLEX; Dihydrolipoamide Acetyltransferase (E2) Deficiency. Identifiers: Orphanet 765, Orphanet 79244, MedGen C1855565, MONDO:0009502, OMIM 245348.

Submissions (5):

Victorian Clinical Genetics Services, Murdoch Childrens Research Institute
Classification: Likely pathogenic for Pyruvate dehydrogenase E2 deficiency. Last evaluated: 2025-12-16. Review status: criteria provided, single submitter. Criteria: ACMG Guidelines, 2015. Collection method: clinical testing. Allele origin: germline. Affected: yes.
Comment: This variant is classified as Likely pathogenic. Evidence in support of pathogenic classification: Variant is absent from gnomAD (v2, v3 and v4); This variant has limited previous evidence of pathogenicity in an unrelated individual(s). This variant has been classified as likely pathogenic and as a VUS by clinical laboratories in ClinVar. It has also been reported as homozygous in two siblings with intellectual disability and paroxysmal exercise-induced dyskinesia, one of whom had reduced PDC enzyme activity (PMID: 29093066). - Missense variant predicted to be damaging by in silico tool(s) or highly conserved with a major amino acid change; Strong phenotype match for this individual. Additional information: Variant is predicted to result in a missense amino acid change from Val to Gly; This variant is homozygous; This gene is associated with autosomal recessive disease; Alternative amino acid change(s) at the same position are present in gnomAD (highest allele count: v4: 1 heterozygote(s), 0 homozygote(s)); No comparable missense variants have previous evidence for pathogenicity; Variant is located in the annotated biotin-requiring enzyme domain (DECIPHER).

Women's Health and Genetics/Laboratory Corporation of America, LabCorp
Classification: Likely pathogenic for Pyruvate dehydrogenase E2 deficiency. Last evaluated: 2025-07-25. Review status: criteria provided, single submitter. Criteria: LabCorp Variant Classification Summary - May 2015. Collection method: clinical testing. Allele origin: germline.
Comment: Variant summary: DLAT c.470T>G (p.Val157Gly) results in a non-conservative amino acid change located in the Biotin/lipoyl attachment domain (IPR000089) of the encoded protein sequence. Algorithms developed to predict the effect of missense changes on protein structure and function all suggest that this variant is likely to be disruptive. The variant was absent in 251492 control chromosomes. c.470T>G has been observed in individuals affected with Pyruvate Dehydrogenase E2 Deficiency (e.g., Friedman_2017, Policherla_2024). These data indicate that the variant is likely to be associated with disease. To our knowledge, no experimental evidence demonstrating an impact on protein function has been reported. The following publications have been ascertained in the context of this evaluation (PMID: 29093066, 39007626). ClinVar contains an entry for this variant (Variation ID: 208790). Based on the evidence outlined above, the variant was classified as likely pathogenic.

Labcorp Genetics (formerly Invitae), Labcorp
Classification: Likely pathogenic for Pyruvate dehydrogenase E2 deficiency. Last evaluated: 2021-12-08. Review status: criteria provided, single submitter. Criteria: Invitae Variant Classification Sherloc (09022015). Collection method: clinical testing. Allele origin: germline.
Comment: In summary, the currently available evidence indicates that the variant is pathogenic, but additional data are needed to prove that conclusively. Therefore, this variant has been classified as Likely Pathogenic. Advanced modeling of protein sequence and biophysical properties (such as structural, functional, and spatial information, amino acid conservation, physicochemical variation, residue mobility, and thermodynamic stability) performed at Invitae indicates that this missense variant is expected to disrupt DLAT protein function. ClinVar contains an entry for this variant (Variation ID: 208790). This missense change has been observed in individual(s) with pyruvate dehydrogenase deficiency (PMID: 29093066). This variant is not present in population databases (gnomAD no frequency). This sequence change replaces valine, which is neutral and non-polar, with glycine, which is neutral and non-polar, at codon 157 of the DLAT protein (p.Val157Gly).

Ambry Genetics
Classification: Likely pathogenic for Inborn genetic diseases. Last evaluated: 2014-09-04. Review status: criteria provided, single submitter. Criteria: Ambry Variant Classification Scheme 2023. Collection method: clinical testing. Allele origin: germline.
Comment: The c.470T>G (p.V157G) alteration is located in exon 3 (coding exon 3) of the DLAT gene. This alteration results from a T to G substitution at nucleotide position 470, causing the valine (V) at amino acid position 157 to be replaced by a glycine (G). The alteration is not observed in healthy cohorts:_x000D_ Based on data from the NHLBI Exome Sequencing Project (ESP), the DLAT c.470T>G alteration was not observed among 6,498 individuals tested. Allele frequency data for this nucleotide position are not currently available from the 1000 Genomes Project and the alteration is not currently listed in the Database of Single Nucleotide Polymorphisms (dbSNP). Though some variants may appear to be rare due to database-specific ethnic underrepresentation, rare missense alleles commonly exhibit a deleterious effect on protein function (Kryukov, 2007; Tennessen, 2012). IF USED, PULL THESE INTO REFERENCES:_x000D_ _x000D_ Kryukov GV, et al. (2007) Am J Hum Genet 80:727-739. Tennessen JA, et al. (2012) Science 337(64):64-69. The altered amino acid is conserved throughout evolution:_x000D_ _x000D_ The V157 amino acid position is highly conserved in available vertebrate species. The amino acid is located in a functionally important protein domain:_x000D_ _x000D_ biotin / lipoyl attachment domain (InterPro) The alteration is predicted deleterious by in silico models:_x000D_ The p.V157G alteration is predicted to be probably damaging by Polyphen and deleterious by SIFT in silico analyses. Based on the available evidence, this alteration is classified as likely pathogenic.

OMIM
Classification: Pathogenic for PYRUVATE DEHYDROGENASE E2 DEFICIENCY. Last evaluated: 2024-04-25. Review status: no assertion criteria provided. Collection method: literature only. Allele origin: germline. Not counted in ClinVar's aggregate classification.

Literature cited by the submitters: PubMed 29093066 (cited by 4 submitters); PubMed 39007626 (cited by Women's Health and Genetics/Laboratory Corporation of America, LabCorp).